The following is an entry in ClinVar:

NM_000051.4(ATM):c.4561G>C (p.Val1521Leu)

Gene: ATM (ATM serine/threonine kinase; plus strand). Cytogenetic location: 11q22.3.
Variant type: single nucleotide variant.
Coding change: c.4561G>C on transcript NM_000051.4 (MANE Select); coding-DNA position 4561, G replaced by C.
Protein change: p.Val1521Leu; replaces valine 1521 with leucine.
Molecular consequence: missense variant.
Genome position (GRCh38, 1-based): chr11:108,292,743, G>C. VCF-style: chr11-108292743-G-C. GRCh37 (hg19) VCF-style: chr11-108163470-G-C.
Other names: c.4561G>C, p.Val1521Leu (NM_001351834.2); short protein forms V1521L.
Identifiers: ClinVar variation 229874 (VCV000229874.36), dbSNP rs141329176, ClinGen allele CA6265493.

ClinVar aggregate classification (germline): Uncertain significance. Review status: criteria provided, multiple submitters, no conflicts (2 of 4 stars). 7 submissions from 7 submitters: Uncertain significance (6). 1 of the submissions does not count toward it. Last evaluated 2025-09-17.

Conditions:
Hereditary cancer-predisposing syndrome. Also called: Hereditary Cancer Syndrome; Neoplastic Syndromes, Hereditary; Tumor predisposition; Hereditary neoplastic syndrome. Identifiers: Orphanet 140162, MedGen C0027672, MeSH D009386, MONDO:0015356.
Familial cancer of breast. Also called: Hereditary breast cancer; hereditary breast carcinoma; BREAST CANCER, FAMILIAL. Identifiers: Orphanet 227535, MedGen C0346153, MONDO:0016419, OMIM 114480. Disease mechanism: loss of function.
Ataxia-telangiectasia syndrome (AT). Also called: Ataxia telangiectasia (A-T); Ataxia-telangiectasia, complementation group E; LOUIS-BAR SYNDROME; Cerebello-oculocutaneous telangiectasia; Immunodeficiency with ataxia telangiectasia; Ataxia-telangiectasia, complementation group D. Identifiers: Orphanet 100, MedGen C0004135, MONDO:0008840, OMIM 208900.

Allele frequency attached by ClinVar (database versions not stated): ExAC 0.00001; gnomAD 0.00001; gnomAD exomes 0.00001; TOPMed 0.00001; ESP Exome Variant Server 0.00008.
gnomAD v4.1: 35 of 1,613,876 alleles (0.0022%); highest among the groups gnomAD compares: Non-Finnish European, 0.0028%; no homozygotes.

Submissions (7):

Labcorp Genetics (formerly Invitae), Labcorp
Classification: Uncertain significance for Ataxia-telangiectasia syndrome. Last evaluated: 2025-09-17. Review status: criteria provided, single submitter. Criteria: Invitae Variant Classification Sherloc (09022015). Collection method: clinical testing. Allele origin: germline.
Comment: This sequence change replaces valine, which is neutral and non-polar, with leucine, which is neutral and non-polar, at codon 1521 of the ATM protein (p.Val1521Leu). This variant is present in population databases (rs141329176, gnomAD 0.002%). This variant has not been reported in the literature in individuals affected with ATM-related conditions. ClinVar contains an entry for this variant (Variation ID: 229874). Invitae Evidence Modeling of protein sequence and biophysical properties (such as structural, functional, and spatial information, amino acid conservation, physicochemical variation, residue mobility, and thermodynamic stability) indicates that this missense variant is not expected to disrupt ATM protein function with a negative predictive value of 95%. In summary, the available evidence is currently insufficient to determine the role of this variant in disease. Therefore, it has been classified as a Variant of Uncertain Significance.

Color Diagnostics, LLC DBA Color Health
Classification: Uncertain significance for Hereditary cancer-predisposing syndrome. Last evaluated: 2025-09-03. Review status: criteria provided, single submitter. Criteria: ACMG Guidelines, 2015. Collection method: clinical testing. Allele origin: germline.
Comment: This missense variant replaces valine with leucine at codon 1521 of the ATM protein. Computational prediction suggests that this variant may not impact protein structure and function. To our knowledge, functional studies have not been reported for this variant. In a large international case-control study, this variant was reported in 2/60464 breast cancer cases and absent in 53461 controls (PMID: 33471991). This variant has been identified in 2/251366 chromosomes in the general population by the Genome Aggregation Database (gnomAD). The available evidence is insufficient to determine the role of this variant in disease conclusively. Therefore, this variant is classified as a Variant of Uncertain Significance.

GeneDx
Classification: Uncertain significance. Last evaluated: 2024-11-12. Review status: criteria provided, single submitter. Criteria: GeneDx Variant Classification Process June 2021. Collection method: clinical testing. Allele origin: germline. Affected: yes.
Comment: Not observed at significant frequency in large population cohorts (gnomAD); In silico analysis indicates that this missense variant does not alter protein structure/function; Identified in individuals with breast, renal, or colorectal cancer and also in cancer-free control(s) (PMID: 26689913, 29684080, 32658311, 33471991); This variant is associated with the following publications: (PMID: 26094954, 26689913, 29684080, 32658311, 33471991)

Ambry Genetics
Classification: Uncertain significance for Hereditary cancer-predisposing syndrome. Last evaluated: 2024-09-17. Review status: criteria provided, single submitter. Criteria: Ambry Variant Classification Scheme 2023. Collection method: clinical testing. Allele origin: germline.
Comment: The p.V1521L variant (also known as c.4561G>C), located in coding exon 29 of the ATM gene, results from a G to C substitution at nucleotide position 4561. The valine at codon 1521 is replaced by leucine, an amino acid with highly similar properties. In a study of whole-exome sequencing in patients with features of Cowden syndrome (CS) or Bannayan-Riley-Ruvalcaba syndrome (BRRS) and negative PTEN testing, this alteration was identified in 0/87 patients with CS or BRRS and 1/3476 patients from The Cancer Genome Atlas (TCGA) (Yehia L et al. PLoS Genet, 2018 04;14:e1007352). Additionally, this alteration was seen in 0/732 breast cancer patients, 1/189 colorectal cancer patients and 1/490 cancer-free elderly controls in a Turkish population (Akcay IM et al. Int J Cancer, 2021 01;148:285-295). This amino acid position is well conserved in available vertebrate species. In addition, the in silico prediction for this alteration is inconclusive. Based on the available evidence, the clinical significance of this variant remains unclear.

Baylor Genetics
Classification: Uncertain significance for Familial cancer of breast. Last evaluated: 2024-03-14. Review status: criteria provided, single submitter. Criteria: ACMG Guidelines, 2015. Collection method: clinical testing. Allele origin: unknown.

Genetic Services Laboratory, University of Chicago
Classification: Uncertain significance. Last evaluated: 2017-05-05. Review status: criteria provided, single submitter. Criteria: ACMG Guidelines, 2015. Collection method: clinical testing. Allele origin: germline. Affected: no.

Natera, Inc.
Classification: Uncertain significance for Ataxia-telangiectasia. Last evaluated: 2021-05-24. Review status: no assertion criteria provided. Collection method: clinical testing. Allele origin: germline. Not counted in ClinVar's aggregate classification.

Literature cited by the submitters: PubMed 33471991 (cited by Color Diagnostics, LLC DBA Color Health); PubMed 29684080 (cited by Ambry Genetics); PubMed 32658311 (cited by Ambry Genetics).